The following is an entry in ClinVar:

NM_014055.4(IFT81):c.1802G>A (p.Arg601Lys)

Gene: IFT81 (intraflagellar transport 81; plus strand). Cytogenetic location: 12q24.11.
Variant type: single nucleotide variant.
Coding change: c.1802G>A on transcript NM_014055.4 (MANE Select); coding-DNA position 1802, G replaced by A.
Protein change: p.Arg601Lys; replaces arginine 601 with lysine.
Molecular consequence: missense variant. On other transcripts: non-coding transcript variant (4).
Genome position (GRCh38, 1-based): chr12:110,205,680, G>A. VCF-style: chr12-110205680-G-A. GRCh37 (hg19) VCF-style: chr12-110643485-G-A.
Other names: c.1802G>A, p.Arg601Lys (NM_001143779.2); c.872G>A, p.Arg291Lys (NM_001347947.2, NM_001347948.2); short protein forms R291K, R601K.
Identifiers: ClinVar variation 855527 (VCV000855527.12), dbSNP rs769641054, ClinGen allele CA6783485.
Genomic context (GRCh38, chr12:110,205,680, plus strand): 5'-CTACTGATGAGATGAAGGCATATATCTCTTCTGATCAACAAGAAAAAAGAAAGGCAATTA[G>A]GCAAGTGATTTTGTTGTTTTATATTGAGATACTTAATATTTTCACCAATAAAAGTTTTAT-3'
Protein context (NP_054774.2, residues 591-611): SDQQEKRKAI[Arg601Lys]EQYTKNTAEQ

ClinVar aggregate classification (germline): Uncertain significance. Review status: criteria provided, multiple submitters, no conflicts (2 of 4 stars). 2 submissions from 2 submitters: Uncertain significance (2). Last evaluated 2022-03-10.

Allele frequency attached by ClinVar (database versions not stated): gnomAD exomes below 0.00001; ExAC 0.00001; gnomAD 0.00001; TOPMed 0.00002.
gnomAD v4.1: 5 of 1,570,172 alleles (0.00032%); highest among the groups gnomAD compares: East Asian, 0.0068%; no homozygotes.

Submissions (2):

Labcorp Genetics (formerly Invitae), Labcorp
Classification: Uncertain significance. Last evaluated: 2022-03-10. Review status: criteria provided, single submitter. Criteria: Invitae Variant Classification Sherloc (09022015). Collection method: clinical testing. Allele origin: germline.
Comment: In summary, the available evidence is currently insufficient to determine the role of this variant in disease. Therefore, it has been classified as a Variant of Uncertain Significance. Variants that disrupt the consensus splice site are a relatively common cause of aberrant splicing (PMID: 17576681, 9536098). Algorithms developed to predict the effect of sequence changes on RNA splicing suggest that this variant may disrupt the consensus splice site. Algorithms developed to predict the effect of missense changes on protein structure and function are either unavailable or do not agree on the potential impact of this missense change (SIFT: "Deleterious"; PolyPhen-2: "Benign"; Align-GVGD: "Class C0"). ClinVar contains an entry for this variant (Variation ID: 855527). This variant has not been reported in the literature in individuals affected with IFT81-related conditions. This variant is present in population databases (rs769641054, gnomAD 0.01%). This sequence change replaces arginine, which is basic and polar, with lysine, which is basic and polar, at codon 601 of the IFT81 protein (p.Arg601Lys). This variant also falls at the last nucleotide of exon 17, which is part of the consensus splice site for this exon.

Blueprint Genetics
Classification: Uncertain significance. Last evaluated: 2022-01-04. Review status: criteria provided, single submitter. Criteria: ACMG Guidelines, 2015. Collection method: clinical testing. Allele origin: germline.

Literature cited by the submitters: PubMed 17576681 (cited by Labcorp Genetics (formerly Invitae), Labcorp); PubMed 9536098 (cited by Labcorp Genetics (formerly Invitae), Labcorp).